The following is an entry in ClinVar:

NM_014915.3(ANKRD26):c.2974C>T (p.Leu992=)

Gene: ANKRD26 (ankyrin repeat domain 26; minus strand). Cytogenetic location: 10p12.1.
Variant type: single nucleotide variant.
Coding change: c.2974C>T on transcript NM_014915.3 (MANE Select); coding-DNA position 2974, C replaced by T.
Protein change: p.Leu992=; no amino-acid change (leucine 992 retained).
Molecular consequence: synonymous variant.
Genome position (GRCh38, 1-based): chr10:27,035,476, G>A on the plus strand (C>T on the coding strand, the complement: ANKRD26 is on the minus strand). VCF-style: chr10-27035476-G-A. GRCh37 (hg19) VCF-style: chr10-27324405-G-A.
Other names: p.Leu992=; c.2971C>T, p.Leu991= (NM_001256053.2).
Identifiers: ClinVar variation 299737 (VCV000299737.18), dbSNP rs3824692, ClinGen allele CA5448123.

ClinVar aggregate classification (germline): Benign/Likely benign. Review status: criteria provided, multiple submitters, no conflicts (2 of 4 stars). 9 submissions from 9 submitters: Benign (7); Likely benign (2). Last evaluated 2026-02-04.

Conditions:
Inborn genetic diseases. Identifiers: MedGen C0950123, MeSH D030342.
Thrombocytopenia 2 (THC2). Also called: ANKRD26-Related Thrombocytopenia. Identifiers: Orphanet 268322, MedGen C1861185, MONDO:0008555, OMIM 188000.

Allele frequency attached by ClinVar (database versions not stated): ESP Exome Variant Server 0.00192; gnomAD 0.00483 and 0.00658; gnomAD exomes 0.00574 and 0.01372; TOPMed 0.01025; ExAC 0.01327; 1000 Genomes Project 30x 0.02842; 1000 Genomes Project 0.03015.
gnomAD v4.1: 9,670 of 1,613,872 alleles (0.6%); highest among the groups gnomAD compares: East Asian, 10%; 312 homozygotes.

Submissions (9):

Labcorp Genetics (formerly Invitae), Labcorp
Classification: Benign. Last evaluated: 2026-02-04. Review status: criteria provided, single submitter. Criteria: Invitae Variant Classification Sherloc (09022015). Collection method: clinical testing. Allele origin: germline.

ARUP Laboratories, Molecular Genetics and Genomics, ARUP Laboratories
Classification: Benign for Thrombocytopenia 2. Last evaluated: 2025-03-04. Review status: criteria provided, single submitter. Criteria: ARUP Molecular Germline Variant Investigation Process 2024. Collection method: clinical testing. Allele origin: germline.

Blueprint Genetics
Classification: Likely benign. Last evaluated: 2024-11-25. Review status: criteria provided, single submitter. Criteria: ACMG Guidelines, 2015. Collection method: clinical testing. Allele origin: germline.

Ambry Genetics
Classification: Likely benign for Inborn genetic diseases. Last evaluated: 2024-10-02. Review status: criteria provided, single submitter. Criteria: Ambry Variant Classification Scheme 2023. Collection method: clinical testing. Allele origin: germline.

Mayo Clinic Laboratories, Mayo Clinic
Classification: Benign. Last evaluated: 2023-11-12. Review status: criteria provided, single submitter. Criteria: ACMG Guidelines, 2015. Collection method: clinical testing. Allele origin: germline. Observed: 14 variant alleles.

Genome-Nilou Lab
Classification: Benign for Thrombocytopenia 2. Last evaluated: 2021-12-05. Review status: criteria provided, single submitter. Criteria: ACMG Guidelines, 2015. Collection method: clinical testing. Allele origin: germline. Affected: no.

GeneDx
Classification: Benign. Last evaluated: 2019-02-28. Review status: criteria provided, single submitter. Criteria: GeneDx Variant Classification Process June 2021. Collection method: clinical testing. Allele origin: germline. Affected: yes.

Illumina Laboratory Services, Illumina
Classification: Benign for Thrombocytopenia 2. Last evaluated: 2018-01-12. Review status: criteria provided, single submitter. Criteria: ICSL Variant Classification Criteria 13 December 2019. Collection method: clinical testing. Allele origin: germline.
Comment: This variant was observed in the ICSL laboratory as part of a predisposition screen in an ostensibly healthy population. It had not been previously curated by ICSL or reported in the Human Gene Mutation Database (HGMD: prior to June 1st, 2018), and was therefore a candidate for classification through an automated scoring system. Utilizing variant allele frequency, disease prevalence and penetrance estimates, and inheritance mode, an automated score was calculated to assess if this variant is too frequent to cause the disease. Based on the score and internal cut-off values, a variant classified as benign is not then subjected to further curation. The score for this variant resulted in a classification of benign for this disease.

Breakthrough Genomics
Classification: Benign. Review status: criteria provided, single submitter. Criteria: ACMG Guidelines, 2015. Collection method: not provided. Allele origin: germline. Inheritance: Autosomal dominant inheritance. Affected: yes.